The following is an entry in ClinVar:

NM_001035.3(RYR2):c.11839T>C (p.Phe3947Leu)

Gene: RYR2 (ryanodine receptor 2; plus strand). Cytogenetic location: 1q43.
Variant type: single nucleotide variant.
Coding change: c.11839T>C on transcript NM_001035.3 (MANE Select); coding-DNA position 11839, T replaced by C.
Protein change: p.Phe3947Leu; replaces phenylalanine 3947 with leucine.
Molecular consequence: missense variant.
Genome position (GRCh38, 1-based): chr1:237,778,729, T>C. VCF-style: chr1-237778729-T-C. GRCh37 (hg19) VCF-style: chr1-237942029-T-C.
Other names: c.11839T>C (NM_001035.2); short protein forms F3947L.
Identifiers: ClinVar variation 919049 (VCV000919049.16), dbSNP rs1490290877, ClinGen allele CA345409343.

ClinVar aggregate classification (germline): Uncertain significance. Review status: criteria provided, multiple submitters, no conflicts (2 of 4 stars). 4 submissions from 4 submitters: Uncertain significance (4). Last evaluated 2025-07-26.

Conditions:
Catecholaminergic polymorphic ventricular tachycardia (CVPT). Also called: Catecholamine-induced polymorphic ventricular tachycardia. Identifiers: Orphanet 3286, MedGen C5574922, MONDO:0017990.
Cardiomyopathy (CMYO). Also called: Cardiomyopathies. Identifiers: Orphanet 167848, MedGen C0878544, MONDO:0004994, HP:0001638. Inheritance: Various modes of inheritance.
Catecholaminergic polymorphic ventricular tachycardia 1. Also called: VENTRICULAR TACHYCARDIA, CATECHOLAMINERGIC POLYMORPHIC, 1, WITH OR WITHOUT ATRIAL DYSFUNCTION AND/OR DILATED CARDIOMYOPATHY; RYR2-Related Catecholaminergic Polymorphic Ventricular Tachycardia; VENTRICULAR TACHYCARDIA, STRESS-INDUCED POLYMORPHIC 1. Identifiers: Orphanet 3286, MedGen C1631597, MONDO:0011484, OMIM 604772.

Allele frequency attached by ClinVar (database versions not stated): TOPMed below 0.00001; gnomAD 0.00001.
gnomAD v4.1: 1 of 1,611,988 alleles (0.000062%); highest among the groups gnomAD compares: African/African-American, 0.0013%; no homozygotes.

Submissions (4):

GeneDx
Classification: Uncertain significance. Last evaluated: 2025-07-26. Review status: criteria provided, single submitter. Criteria: GeneDx Variant Classification Process June 2021. Collection method: clinical testing. Allele origin: germline. Affected: yes.
Comment: Not observed at significant frequency in large population cohorts (gnomAD); In silico analysis supports that this missense variant has a deleterious effect on protein structure/function; Has not been previously published as pathogenic or benign to our knowledge; Located in one of the three hot-spot regions of the RYR2 gene, where the majority of pathogenic missense variants occur (PMID: 19926015); This variant is associated with the following publications: (PMID: 19926015)

Color Diagnostics, LLC DBA Color Health
Classification: Uncertain significance for Cardiomyopathy. Last evaluated: 2023-12-05. Review status: criteria provided, single submitter. Criteria: ACMG Guidelines, 2015. Collection method: clinical testing. Allele origin: germline.
Comment: This missense variant replaces phenylalanine with leucine at codon 3947 of the RYR2 protein. Computational prediction tools and conservation analyses suggest that this variant may have deleterious impact on protein structure and function. Computational splicing tools suggest that this variant may not impact RNA splicing. To our knowledge, functional assays have not been performed for this variant nor has this variant been reported in individuals affected with cardiovascular disorders in the literature. This variant has not been identified in the general population by the Genome Aggregation Database (gnomAD). Available evidence is insufficient to determine the role of this variant in disease conclusively. Therefore, this variant is classified as a Variant of Uncertain Significance.

Labcorp Genetics (formerly Invitae), Labcorp
Classification: Uncertain significance for Catecholaminergic polymorphic ventricular tachycardia 1. Last evaluated: 2023-11-27. Review status: criteria provided, single submitter. Criteria: Invitae Variant Classification Sherloc (09022015). Collection method: clinical testing. Allele origin: germline.
Comment: This sequence change replaces phenylalanine, which is neutral and non-polar, with leucine, which is neutral and non-polar, at codon 3947 of the RYR2 protein (p.Phe3947Leu). This variant is not present in population databases (gnomAD no frequency). This variant has not been reported in the literature in individuals affected with RYR2-related conditions. ClinVar contains an entry for this variant (Variation ID: 919049). Advanced modeling of protein sequence and biophysical properties (such as structural, functional, and spatial information, amino acid conservation, physicochemical variation, residue mobility, and thermodynamic stability) performed at Invitae indicates that this missense variant is expected to disrupt RYR2 protein function with a positive predictive value of 95%. In summary, the available evidence is currently insufficient to determine the role of this variant in disease. Therefore, it has been classified as a Variant of Uncertain Significance.

All of Us Research Program, National Institutes of Health
Classification: Uncertain significance for Catecholaminergic polymorphic ventricular tachycardia. Last evaluated: 2023-05-31. Review status: criteria provided, single submitter. Criteria: ACMG Guidelines, 2015. Collection method: clinical testing. Allele origin: germline. Inheritance: Autosomal dominant inheritance. Observed: 1 variant allele, 1 heterozygote.
Comment: This missense variant replaces phenylalanine with leucine at codon 3947 of the RYR2 protein. Computational prediction tools and conservation analyses suggest that this variant may have deleterious impact on protein structure and function. Computational splicing tools suggest that this variant may not impact RNA splicing. To our knowledge, functional assays have not been performed for this variant nor has this variant been reported in individuals affected with cardiovascular disorders in the literature. This variant has not been identified in the general population by the Genome Aggregation Database (gnomAD). Available evidence is insufficient to determine the role of this variant in disease conclusively. Therefore, this variant is classified as a Variant of Uncertain Significance.

This study involves interpretation of variants in research participants for the purpose of population health screening. Participant phenotype was not available at the time of variant classification. Additional details can be found in publication PMID: 35346344, PMCID: PMC8962531